The following is an entry in ClinVar:

ClinVar aggregate classification (germline): Pathogenic (1 of 4 stars; one submission).

Submission:

GeneDx
Classification: Pathogenic. Last evaluated: 2024-12-06. Review status: criteria provided, single submitter. Criteria: GeneDx Variant Classification Process June 2021. Collection method: clinical testing. Allele origin: germline. Affected: yes.
Comment: Frameshift variant predicted to result in protein truncation or nonsense mediated decay in a gene for which loss-of-function is a known mechanism of disease; Not observed in large population cohorts (gnomAD); This variant is associated with the following publications: (PMID: 8698340)

NM_000268.4(NF2):c.482del (p.Gly161fs)

Gene: NF2 (NF2, moesin-ezrin-radixin like (MERLIN) tumor suppressor; plus strand). Cytogenetic location: 22q12.2.
Variant type: Deletion.
Coding change: c.482del on transcript NM_000268.4 (MANE Select); coding-DNA position 482, one base deleted (G; older notation c.482delG).
Protein change: p.Gly161fs; shifts the reading frame from glycine 161.
Molecular consequence: frameshift variant. On other transcripts: 5 prime UTR variant (1), intron variant (1).
Genome position (GRCh38, 1-based): chr22:29,654,691, G deleted; the last of 4 consecutive G bases (chr22:29,654,688-29,654,691); deleting any one gives the same sequence. VCF-style (leftmost placement, unchanged base first): chr22-29654687-CG-C. GRCh37 (hg19) VCF-style: chr22-30050676-CG-C.
Other names: c.482delG, p.Gly161Aspfs (NM_000268.3); c.368del, p.Gly123fs (NM_001407053.1, NM_001407056.1); c.359del, p.Gly120fs (NM_001407054.1, NM_001407058.1, NM_001407062.1 and 1 more transcripts); c.356del, p.Gly119fs (NM_001407055.1, NM_181828.3); c.482del, p.Gly161fs (NM_001407057.1, NM_001407059.1, NM_001407060.1 and 4 more transcripts); c.233del, p.Gly78fs (NM_001407063.1, NM_001407064.1, NM_181830.3 and 1 more transcripts); c.-159del (NM_001407065.1); c.251del, p.Gly84fs (NM_001407067.1); and 1 more; short protein forms G119fs, G120fs, G123fs, G161fs, G78fs, G84fs.
Identifiers: ClinVar variation 3901478 (VCV003901478.1).